The following is an entry in ClinVar:

ClinVar aggregate classification (germline): Likely pathogenic (1 of 4 stars; one submission).

Submission:

GeneDx
Classification: Likely pathogenic. Last evaluated: 2017-02-23. Review status: criteria provided, single submitter. Criteria: GeneDx Variant Classification (06012015). Collection method: clinical testing. Allele origin: germline. Affected: yes.
Comment: Although the C1223F variant in the FBN1 gene has not been published as a pathogenic variant or reported as a benign polymorphism to our knowledge, variant in the same residue have been reported in association with Marfan syndrome. Similarly, Hewett et al. (1994) reported a C1223Y variant in a patient with Marfan syndrome, and the variant was not found in any unaffected family members or 100 control samples. Genotype analysis of the proband's unaffected siblings indicated that C1223Y was de novo in the proband (Hewett et al., 1994). The C1223F variant was not observed in approximately 6,500 individuals of European and African American ancestry in the NHLBI Exome Sequencing Project, indicating it is not a common benign variant in these populations. C1223F is a non- conservative amino acid substitution resulting in the removal of a Cysteine, which is expected to affect disulfide bonding, at a position that is highly conserved across species. In silico analysis predicts C1223F is damaging to the protein structure/function. In summary, C1223F in the FBN1 gene is interpreted as a likely disease-causing variant.

NM_000138.5(FBN1):c.3668G>T (p.Cys1223Phe)

Gene: FBN1 (fibrillin 1; minus strand). Cytogenetic location: 15q21.1.
Variant type: single nucleotide variant.
Coding change: c.3668G>T on transcript NM_000138.5 (MANE Select); coding-DNA position 3668, G replaced by T.
Protein change: p.Cys1223Phe; replaces cysteine 1223 with phenylalanine.
Molecular consequence: missense variant.
Genome position (GRCh38, 1-based): chr15:48,485,418, C>A on the plus strand (G>T on the coding strand, the complement: FBN1 is on the minus strand). VCF-style: chr15-48485418-C-A. GRCh37 (hg19) VCF-style: chr15-48777615-C-A.
Other names: p.C1223F:TGT>TTT; short protein forms C1223F.
Identifiers: ClinVar variation 200184 (VCV000200184.2), dbSNP rs137854469, ClinGen allele CA014439.